The following is an entry in ClinVar:

ClinVar aggregate classification (germline): Likely pathogenic (1 of 4 stars; one submission).

Conditions:
Melanoma-pancreatic cancer syndrome. Identifiers: Orphanet 404560, MedGen C1838547, MONDO:0011713, OMIM 606719. Disease mechanism: loss of function.

Submission:

Myriad Genetics, Inc.
Classification: Likely pathogenic for Melanoma-pancreatic cancer syndrome. Last evaluated: 2025-01-06. Review status: criteria provided, single submitter. Criteria: Myriad Autosomal Dominant, Autosomal Recessive and X-Linked Classification Criteria (2023). Collection method: clinical testing. Allele origin: unknown.
Comment: This variant is considered likely pathogenic. This variant creates a frameshift predicted to result in premature protein truncation.

NM_000077.5(CDKN2A):c.267del (p.Phe90fs)

Gene: CDKN2A (cyclin dependent kinase inhibitor 2A; minus strand). Cytogenetic location: 9p21.3.
Variant type: Deletion.
Coding change: c.267del on transcript NM_000077.5; coding-DNA position 267, one base deleted (C; older notation c.267delC).
Protein change: p.Phe90fs; shifts the reading frame from phenylalanine 90.
Molecular consequence: frameshift variant (on NM_058195.4). On other transcripts: 3 prime UTR variant (1).
Genome position (GRCh38, 1-based): chr9:21,971,092, G deleted on the plus strand (C on the coding strand, the reverse complement: CDKN2A is on the minus strand). VCF-style (leftmost placement, unchanged base first): chr9-21971091-AG-A. GRCh37 (hg19) VCF-style: chr9-21971090-AG-A.
Other names: c.310del, p.Leu104fs (NM_058195.4); c.*190del (NM_058197.5); c.267delC, p.Phe90Serfs (NM_000077.6); c.267del, p.Phe90fs (NM_001195132.2); c.114del, p.Phe39fs (NM_001363763.2); short protein forms F39fs, F90fs, L104fs.
Identifiers: ClinVar variation 3903663 (VCV003903663.1).